The following is an entry in ClinVar:

NM_001606.5(ABCA2):c.1394C>T (p.Ala465Val)

Gene: ABCA2 (ATP binding cassette subfamily A member 2; minus strand). Cytogenetic location: 9q34.3.
Variant type: single nucleotide variant.
Coding change: c.1394C>T on transcript NM_001606.5 (MANE Select); coding-DNA position 1394, C replaced by T.
Protein change: p.Ala465Val; replaces alanine 465 with valine.
Molecular consequence: missense variant.
Genome position (GRCh38, 1-based): chr9:137,020,367, G>A on the plus strand (C>T on the coding strand, the complement: ABCA2 is on the minus strand). VCF-style: chr9-137020367-G-A. GRCh37 (hg19) VCF-style: chr9-139914819-G-A.
Other names: c.1391C>T, p.Ala464Val (NM_001411042.1); c.1484C>T, p.Ala495Val (NM_212533.3); c.1484C>T (NM_212533.2); short protein forms A464V, A465V, A495V.
Identifiers: ClinVar variation 3779316 (VCV003779316.3).

ClinVar aggregate classification (germline): Conflicting classifications of pathogenicity. Review status: criteria provided, conflicting classifications (1 of 4 stars). 3 submissions from 3 submitters: Uncertain significance (2); Likely benign (1). Last evaluated 2026-04-20.

Conditions:
Intellectual developmental disorder with poor growth and with or without seizures or ataxia. Identifiers: MedGen C5394135, MONDO:0032930, OMIM 618808.

gnomAD v4.1: 1,573 of 1,612,960 alleles (0.098%); highest among the groups gnomAD compares: Non-Finnish European, 0.12%; 3 homozygotes.

Submissions (3):

GeneDx
Classification: Uncertain significance. Last evaluated: 2026-04-20. Review status: criteria provided, single submitter. Criteria: GeneDx Variant Classification Process June 2021. Collection method: clinical testing. Allele origin: germline.
Comment: In silico analysis indicates that this missense variant does not alter protein structure/function; Has not been previously published as pathogenic or benign to our knowledge

Blueprint Genetics
Classification: Likely benign. Last evaluated: 2024-10-26. Review status: criteria provided, single submitter. Criteria: ACMG Guidelines, 2015. Collection method: clinical testing. Allele origin: germline.

Department of Pathology and Laboratory Medicine, Sinai Health System
Classification: Uncertain significance for Intellectual developmental disorder with poor growth and with or without seizures or ataxia. Last evaluated: 2022-09-15. Review status: criteria provided, single submitter. Criteria: ACMG Guidelines, 2015. Collection method: research. Allele origin: germline.